The following is an entry in ClinVar:

NM_003647.3(DGKE):c.323G>A (p.Cys108Tyr)

Gene: DGKE (diacylglycerol kinase epsilon; plus strand). Cytogenetic location: 17q22.
Variant type: single nucleotide variant.
Coding change: c.323G>A on transcript NM_003647.3 (MANE Select); coding-DNA position 323, G replaced by A.
Protein change: p.Cys108Tyr; replaces cysteine 108 with tyrosine.
Molecular consequence: missense variant.
Genome position (GRCh38, 1-based): chr17:56,835,118, G>A. VCF-style: chr17-56835118-G-A. GRCh37 (hg19) VCF-style: chr17-54912479-G-A.
Other names: short protein forms C108Y.
Identifiers: ClinVar variation 4280352 (VCV004280352.1).
Genomic context (GRCh38, chr17:56,835,118, plus strand): 5'-ACTGCTGCGGGCTCCGCGTGGACGAGGGCTGCCTCAGGAAGGCCGACAAGCGCTTCCAGT[G>A]CAAGGAGATTATGCTCAAGAATGACACCAAGGTCCTGGACGCCATGCCCCACCACTGGAT-3'
Protein context (NP_003638.1, residues 98-118): CLRKADKRFQ[Cys108Tyr]KEIMLKNDTK

ClinVar aggregate classification (germline): Uncertain significance (1 of 4 stars; one submission).

Conditions:
Mesangiocapillary glomerulonephritis. Also called: Membranoproliferative glomerulonephritis. Identifiers: MedGen C0017662, MONDO:0002461, HP:0000793.

Submission:

Genomenon, Inc
Classification: Uncertain significance for Primary membranoproliferative glomerulonephritis. Last evaluated: 2025-09-26. Review status: criteria provided, single submitter. Criteria: Genomenon Sequence Variant Interpretation Standards - Updated. Collection method: curation. Allele origin: germline. Affected: yes.
Comment: DGKE p.Cys108Tyr (c.323G>A) is a missense variant that changes the amino acid at residue 108 from Cysteine to Tyrosine. This variant has been observed in at least one proband affected with membranoproliferative glomerulonephritis (PMID:32386968). It is absent or not present at a significant frequency in gnomAD. In silico models agree that this variant is possibly or probably damaging. In conclusion, we classify DGKE p.Cys108Tyr (c.323G>A) as a variant of uncertain significance.

Literature cited by the submitters: PubMed 32386968.